The following is an entry in ClinVar:

NM_001134363.3(RBM20):c.3136A>G (p.Met1046Val)

Gene: RBM20 (RNA binding motif protein 20; plus strand). Cytogenetic location: 10q25.2.
Variant type: single nucleotide variant.
Coding change: c.3136A>G on transcript NM_001134363.3 (MANE Select); coding-DNA position 3136, A replaced by G.
Protein change: p.Met1046Val; replaces methionine 1046 with valine.
Molecular consequence: missense variant.
Genome position (GRCh38, 1-based): chr10:110,821,755, A>G. VCF-style: chr10-110821755-A-G. GRCh37 (hg19) VCF-style: chr10-112581513-A-G.
Other names: short protein forms M1046V.
Identifiers: ClinVar variation 4775409 (VCV004775409.1).

ClinVar aggregate classification (germline): Uncertain significance (1 of 4 stars; one submission).

Conditions:
Dilated cardiomyopathy 1DD (CMD1DD). Identifiers: Orphanet 154, MedGen C2750995, MONDO:0013168, OMIM 613172.

Submission:

Labcorp Genetics (formerly Invitae), Labcorp
Classification: Uncertain significance for Dilated cardiomyopathy 1DD. Last evaluated: 2025-11-24. Review status: criteria provided, single submitter. Criteria: Invitae Variant Classification Sherloc (09022015). Collection method: clinical testing. Allele origin: germline.
Comment: This sequence change replaces methionine, which is neutral and non-polar, with valine, which is neutral and non-polar, at codon 1046 of the RBM20 protein (p.Met1046Val). This variant is not present in population databases (gnomAD no frequency). This variant has not been reported in the literature in individuals affected with RBM20-related conditions. Invitae Evidence Modeling of protein sequence and biophysical properties (such as structural, functional, and spatial information, amino acid conservation, physicochemical variation, residue mobility, and thermodynamic stability) indicates that this missense variant is not expected to disrupt RBM20 protein function with a negative predictive value of 95%. In summary, the available evidence is currently insufficient to determine the role of this variant in disease. Therefore, it has been classified as a Variant of Uncertain Significance.